The following is an entry in ClinVar:

NM_000063.6(C2):c.235_236del (p.Leu79fs)

Gene: C2 (complement C2; plus strand). Cytogenetic location: 6p21.33.
Variant type: Microsatellite.
Coding change: c.235_236del on transcript NM_000063.6 (MANE Select); coding-DNA positions 235 to 236, 2 bases deleted (CT; older notation c.235_236delCT).
Protein change: p.Leu79fs; shifts the reading frame from leucine 79.
Molecular consequence: frameshift variant. On other transcripts: intron variant (3).
Genome position (GRCh38, 1-based): chr6:31,928,143-31,928,144, CT deleted; deleting any 2 consecutive bases within chr6:31,928,140-31,928,144 gives the same sequence; the c. name uses the placement nearest the transcript's 3' end. VCF-style (leftmost placement, unchanged base first): chr6-31928139-GTC-G. GRCh37 (hg19) VCF-style: chr6-31895916-GTC-G.
Other names: c.120_121del, p.Cys41fs (NM_001282458.2); c.235_236del, p.Leu79fs (NM_001282459.2); c.-63-5467_-63-5466del (NM_001282457.2); c.74-5467_74-5466del (NM_001178063.3); c.46+345_46+346del (NM_001145903.3); short protein forms L79fs, C41fs.
Identifiers: ClinVar variation 3720679 (VCV003720679.2).

ClinVar aggregate classification (germline): Pathogenic (1 of 4 stars; one submission).

Submission:

Labcorp Genetics (formerly Invitae), Labcorp
Classification: Pathogenic. Last evaluated: 2024-12-03. Review status: criteria provided, single submitter. Criteria: Invitae Variant Classification Sherloc (09022015). Collection method: clinical testing. Allele origin: germline.
Comment: This sequence change creates a premature translational stop signal (p.Leu79Valfs*2) in the C2 gene. It is expected to result in an absent or disrupted protein product. Loss-of-function variants in C2 are known to be pathogenic (PMID: 1577763, 9616367). This variant is present in population databases (rs772970793, gnomAD 0.0009%). This premature translational stop signal has been observed in individual(s) with clinical features of C2-related conditions (PMID: 9616367). For these reasons, this variant has been classified as Pathogenic.

Literature cited by the submitters: PubMed 1577763; PubMed 9616367.